The following is an entry in ClinVar:

NM_002972.4(SBF1):c.1105G>A (p.Ala369Thr)

Gene: SBF1 (SET binding factor 1; minus strand). Cytogenetic location: 22q13.33.
Variant type: single nucleotide variant.
Coding change: c.1105G>A on transcript NM_002972.4 (MANE Select); coding-DNA position 1105, G replaced by A.
Protein change: p.Ala369Thr; replaces alanine 369 with threonine.
Molecular consequence: missense variant.
Genome position (GRCh38, 1-based): chr22:50,465,313, C>T on the plus strand (G>A on the coding strand, the complement: SBF1 is on the minus strand). VCF-style: chr22-50465313-C-T. GRCh37 (hg19) VCF-style: chr22-50903742-C-T.
Other names: c.1108G>A, p.Ala370Thr (NM_001365819.1); short protein forms A370T, A369T.
Identifiers: ClinVar variation 1438469 (VCV001438469.7), dbSNP rs1487450248, ClinGen allele CA412219025.

ClinVar aggregate classification (germline): Uncertain significance (1 of 4 stars; one submission).

Allele frequency attached by ClinVar (database versions not stated): gnomAD 0.00001.

Submission:

Labcorp Genetics (formerly Invitae), Labcorp
Classification: Uncertain significance. Last evaluated: 2021-05-01. Review status: criteria provided, single submitter. Criteria: Invitae Variant Classification Sherloc (09022015). Collection method: clinical testing. Allele origin: germline.
Comment: This variant is not present in population databases (ExAC no frequency). This sequence change replaces alanine with threonine at codon 369 of the SBF1 protein (p.Ala369Thr). The alanine residue is highly conserved and there is a small physicochemical difference between alanine and threonine. This variant has not been reported in the literature in individuals with SBF1-related conditions. Algorithms developed to predict the effect of missense changes on protein structure and function are either unavailable or do not agree on the potential impact of this missense change (SIFT: "Deleterious"; PolyPhen-2: "Possibly Damaging"; Align-GVGD: "Class C0"). In summary, the available evidence is currently insufficient to determine the role of this variant in disease. Therefore, it has been classified as a Variant of Uncertain Significance.